The following is an entry in ClinVar:

ClinVar aggregate classification (germline): Uncertain significance. Review status: criteria provided, multiple submitters, no conflicts (2 of 4 stars). 2 submissions from 2 submitters: Uncertain significance (2). Last evaluated 2024-08-14.

Conditions:
Glycogen storage disease, type V (GSD5). Also called: McArdle type glycogen storage disease; MCARDLE DISEASE; MUSCLE GLYCOGEN PHOSPHORYLASE DEFICIENCY; MYOPHOSPHORYLASE DEFICIENCY; PYGM DEFICIENCY. Identifiers: Orphanet 368, MedGen C0017924, MONDO:0009293, OMIM 232600.
Inborn genetic diseases. Identifiers: MedGen C0950123, MeSH D030342.

Allele frequency attached by ClinVar (database versions not stated): gnomAD exomes below 0.00001.
gnomAD v4.1: 2 of 1,614,100 alleles (0.00012%); highest among the groups gnomAD compares: East Asian, 0.0022%; no homozygotes.

Submissions (2):

Ambry Genetics
Classification: Uncertain significance for Inborn genetic diseases. Last evaluated: 2024-08-14. Review status: criteria provided, single submitter. Criteria: Ambry Variant Classification Scheme 2023. Collection method: clinical testing. Allele origin: germline.

Labcorp Genetics (formerly Invitae), Labcorp
Classification: Uncertain significance for Glycogen storage disease, type V. Last evaluated: 2022-07-29. Review status: criteria provided, single submitter. Criteria: Invitae Variant Classification Sherloc (09022015). Collection method: clinical testing. Allele origin: germline.
Comment: This sequence change replaces isoleucine, which is neutral and non-polar, with threonine, which is neutral and polar, at codon 806 of the PYGM protein (p.Ile806Thr). This variant is not present in population databases (gnomAD no frequency). This variant has not been reported in the literature in individuals affected with PYGM-related conditions. Algorithms developed to predict the effect of missense changes on protein structure and function are either unavailable or do not agree on the potential impact of this missense change (SIFT: "Not Available"; PolyPhen-2: "Probably Damaging"; Align-GVGD: "Not Available"). In summary, the available evidence is currently insufficient to determine the role of this variant in disease. Therefore, it has been classified as a Variant of Uncertain Significance.

NM_005609.4(PYGM):c.2417T>C (p.Ile806Thr)

Gene: PYGM (glycogen phosphorylase, muscle associated; minus strand). Cytogenetic location: 11q13.1.
Variant type: single nucleotide variant.
Coding change: c.2417T>C on transcript NM_005609.4 (MANE Select); coding-DNA position 2417, T replaced by C.
Protein change: p.Ile806Thr; replaces isoleucine 806 with threonine.
Molecular consequence: missense variant.
Genome position (GRCh38, 1-based): chr11:64,746,771, A>G on the plus strand (T>C on the coding strand, the complement: PYGM is on the minus strand). VCF-style: chr11-64746771-A-G. GRCh37 (hg19) VCF-style: chr11-64514243-A-G.
Other names: c.2417T>C (NM_005609.2); c.2153T>C, p.Ile718Thr (NM_001164716.1); short protein forms I718T, I806T.
Identifiers: ClinVar variation 1981624 (VCV001981624.2), dbSNP rs373305106, ClinGen allele CA223894674.